The following is an entry in ClinVar:

ClinVar aggregate classification (germline): Pathogenic/Likely pathogenic. Review status: criteria provided, multiple submitters, no conflicts (2 of 4 stars). 2 submissions from 2 submitters: Pathogenic (1); Likely pathogenic (1). Last evaluated 2024-01-29.

Conditions:
Early-infantile DEE. Also called: Ohtahara syndrome; Early infantile epileptic encephalopathy; Early infantile epileptic encephalopathy with suppression bursts. Identifiers: Orphanet 1934, MedGen C0393706, MONDO:0800491.
Neurodevelopmental disorder. Identifiers: MedGen C1535926, MeSH D065886, MONDO:0700092.

Submissions (2):

Labcorp Genetics (formerly Invitae), Labcorp
Classification: Pathogenic for Early-infantile DEE. Last evaluated: 2024-01-29. Review status: criteria provided, single submitter. Criteria: Invitae Variant Classification Sherloc (09022015). Collection method: clinical testing. Allele origin: germline.
Comment: This sequence change creates a premature translational stop signal (p.Ala294Glyfs*37) in the KCNQ2 gene. It is expected to result in an absent or disrupted protein product. Loss-of-function variants in KCNQ2 are known to be pathogenic (PMID: 14534157, 23692823, 27779742). This variant is not present in population databases (gnomAD no frequency). This variant has not been reported in the literature in individuals affected with KCNQ2-related conditions. ClinVar contains an entry for this variant (Variation ID: 2627822). For these reasons, this variant has been classified as Pathogenic.

Laboratory of Molecular Genetics (Pr. Bezieau's lab), CHU de Nantes
Classification: Likely pathogenic for Neurodevelopmental disorder. Last evaluated: 2023-11-03. Review status: criteria provided, single submitter. Criteria: ACMG Guidelines, 2015. Collection method: clinical testing. Allele origin: germline. Affected: yes.

Literature cited by the submitters: PubMed 14534157 (cited by Labcorp Genetics (formerly Invitae), Labcorp); PubMed 23692823 (cited by Labcorp Genetics (formerly Invitae), Labcorp); PubMed 27779742 (cited by Labcorp Genetics (formerly Invitae), Labcorp).

NM_172107.4(KCNQ2):c.880dup (p.Ala294fs)

Gene: KCNQ2 (potassium voltage-gated channel subfamily Q member 2; minus strand). Cytogenetic location: 20q13.33.
Variant type: Duplication.
Coding change: c.880dup on transcript NM_172107.4 (MANE Select); coding-DNA position 880, one base duplicated (G; older notation c.880dupG).
Protein change: p.Ala294fs; shifts the reading frame from alanine 294.
Molecular consequence: frameshift variant.
Genome position (GRCh38, 1-based): chr20:63,439,645, C duplicated on the plus strand (G on the coding strand, the reverse complement: KCNQ2 is on the minus strand). VCF-style (leftmost placement, unchanged base first): chr20-63439644-G-GC. GRCh37 (hg19) VCF-style: chr20-62070997-G-GC.
Other names: c.880dup, p.Ala294fs (NM_001382235.1, NM_004518.6, NM_172106.3 and 2 more transcripts); short protein forms A294fs.
Identifiers: ClinVar variation 2627822 (VCV002627822.4), dbSNP rs2516419336, ClinGen allele CA2586963927.